The following is an entry in ClinVar:

ClinVar aggregate classification (germline): Conflicting classifications of pathogenicity. Review status: criteria provided, conflicting classifications (1 of 4 stars). 4 submissions from 4 submitters: Uncertain significance (1); Likely benign (3). Last evaluated 2025-10-01.

Conditions:
Mitochondrial complex I deficiency, nuclear type 1. Also called: NADH-COENZYME Q REDUCTASE DEFICIENCY; MITOCHONDRIAL NADH DEHYDROGENASE COMPONENT OF COMPLEX I, DEFICIENCY OF. Identifiers: MedGen C6022305, MONDO:0100224, OMIM 252010.

Allele frequency attached by ClinVar (database versions not stated): gnomAD exomes 0.00002 and 0.00004; TOPMed 0.00002.
gnomAD v4.1: 57 of 1,606,940 alleles (0.0035%); highest among the groups gnomAD compares: Middle Eastern, 0.82%; 1 homozygote.

Submissions (4):

Labcorp Genetics (formerly Invitae), Labcorp
Classification: Likely benign. Last evaluated: 2025-10-01. Review status: criteria provided, single submitter. Criteria: Invitae Variant Classification Sherloc (09022015). Collection method: clinical testing. Allele origin: germline.

Blueprint Genetics
Classification: Likely benign. Last evaluated: 2024-09-24. Review status: criteria provided, single submitter. Criteria: ACMG Guidelines, 2015. Collection method: clinical testing. Allele origin: germline.

Illumina Laboratory Services, Illumina
Classification: Uncertain significance for Mitochondrial complex I deficiency, nuclear type 1. Last evaluated: 2018-01-12. Review status: criteria provided, single submitter. Criteria: ICSL Variant Classification Criteria 13 December 2019. Collection method: clinical testing. Allele origin: germline.

GeneDx
Classification: Likely benign. Last evaluated: 2017-10-26. Review status: criteria provided, single submitter. Criteria: GeneDx Variant Classification (06012015). Collection method: clinical testing. Allele origin: germline. Affected: yes.
Comment: This variant is considered likely benign or benign based on one or more of the following criteria: it is a conservative change, it occurs at a poorly conserved position in the protein, it is predicted to be benign by multiple in silico algorithms, and/or has population frequency not consistent with disease.

NM_025152.3(NUBPL):c.422+8T>C

Gene: NUBPL (NUBP iron-sulfur cluster assembly factor, mitochondrial; plus strand). Cytogenetic location: 14q12.
Variant type: single nucleotide variant.
Coding change: c.422+8T>C on transcript NM_025152.3 (MANE Select); 8 bases into the intron after coding-DNA position 422, T replaced by C.
Molecular consequence: intron variant.
Genome position (GRCh38, 1-based): chr14:31,673,402, T>C. VCF-style: chr14-31673402-T-C. GRCh37 (hg19) VCF-style: chr14-32142608-T-C.
Other names: c.134+8T>C (NM_001201573.2).
Identifiers: ClinVar variation 387762 (VCV000387762.14), dbSNP rs868061310, ClinGen allele CA16606986.
Genomic context (GRCh38, chr14:31,673,402, plus strand): 5'-TTTTTTTTTCCAGGCAACCTAATGAGGCCTCTCTTGAATTATGGTATTGCTTGGTGAGCA[T>C]ATATATATTTTTAATGTTACTTTTCAGAATAATGTTGATTAATTTATACAAATTAGTTGT-3'